The following is an entry in ClinVar:

NM_001330311.2(DVL1):c.1892G>T (p.Arg631Leu)

Gene: DVL1 (dishevelled segment polarity protein 1; minus strand). Cytogenetic location: 1p36.33.
Variant type: single nucleotide variant.
Coding change: c.1892G>T on transcript NM_001330311.2 (MANE Select); coding-DNA position 1892, G replaced by T.
Protein change: p.Arg631Leu; replaces arginine 631 with leucine.
Molecular consequence: missense variant.
Genome position (GRCh38, 1-based): chr1:1,336,338, C>A on the plus strand (G>T on the coding strand, the complement: DVL1 is on the minus strand). VCF-style: chr1-1336338-C-A. GRCh37 (hg19) VCF-style: chr1-1271718-C-A.
Other names: c.1817G>T (NM_004421.2); c.1817G>T, p.Arg606Leu (NM_004421.3); short protein forms R631L, R606L.
Identifiers: ClinVar variation 2721361 (VCV002721361.5), dbSNP rs763938693, ClinGen allele CA519786.

ClinVar aggregate classification (germline): Conflicting classifications of pathogenicity. Review status: criteria provided, conflicting classifications (1 of 4 stars). 3 submissions from 3 submitters: Uncertain significance (2); Likely benign (1). Last evaluated 2025-04-07.

Conditions:
Inborn genetic diseases. Identifiers: MedGen C0950123, MeSH D030342.

gnomAD v4.1: 123 of 1,590,328 alleles (0.0077%); highest among the groups gnomAD compares: Non-Finnish European, 0.01%; no homozygotes.

Submissions (3):

Ambry Genetics
Classification: Uncertain significance for Inborn genetic diseases. Last evaluated: 2025-04-07. Review status: criteria provided, single submitter. Criteria: Ambry Variant Classification Scheme 2023. Collection method: clinical testing. Allele origin: germline.

Labcorp Genetics (formerly Invitae), Labcorp
Classification: Uncertain significance. Last evaluated: 2023-12-24. Review status: criteria provided, single submitter. Criteria: Invitae Variant Classification Sherloc (09022015). Collection method: clinical testing. Allele origin: germline.
Comment: This sequence change replaces arginine, which is basic and polar, with leucine, which is neutral and non-polar, at codon 606 of the DVL1 protein (p.Arg606Leu). This variant is present in population databases (rs763938693, gnomAD 0.008%). This variant has not been reported in the literature in individuals affected with DVL1-related conditions. Advanced modeling of protein sequence and biophysical properties (such as structural, functional, and spatial information, amino acid conservation, physicochemical variation, residue mobility, and thermodynamic stability) performed at Invitae indicates that this missense variant is not expected to disrupt DVL1 protein function with a negative predictive value of 80%. In summary, the available evidence is currently insufficient to determine the role of this variant in disease. Therefore, it has been classified as a Variant of Uncertain Significance.

Blueprint Genetics
Classification: Likely benign. Last evaluated: 2022-11-30. Review status: criteria provided, single submitter. Criteria: ACMG Guidelines, 2015. Collection method: clinical testing. Allele origin: germline.